The following is an entry in ClinVar:

ClinVar aggregate classification (germline): Uncertain significance (1 of 4 stars; one submission).

Allele frequency attached by ClinVar (database versions not stated): gnomAD exomes below 0.00001.
gnomAD v4.1: 1 of 1,611,566 alleles (0.000062%); no homozygotes.

Submission:

GeneDx
Classification: Uncertain significance. Last evaluated: 2024-04-30. Review status: criteria provided, single submitter. Criteria: GeneDx Variant Classification Process June 2021. Collection method: clinical testing. Allele origin: germline. Affected: yes.
Comment: In silico analysis supports that this missense variant has a deleterious effect on protein structure/function; Has not been previously published as pathogenic or benign to our knowledge

NM_001352027.3(PHF21A):c.91G>C (p.Ala31Pro)

Gene: PHF21A (PHD finger protein 21A; minus strand). Cytogenetic location: 11p11.2.
Variant type: single nucleotide variant.
Coding change: c.91G>C on transcript NM_001352027.3 (MANE Select); coding-DNA position 91, G replaced by C.
Protein change: p.Ala31Pro; replaces alanine 31 with proline.
Molecular consequence: missense variant. On other transcripts: non-coding transcript variant (2).
Genome position (GRCh38, 1-based): chr11:46,076,816, C>G on the plus strand (G>C on the coding strand, the complement: PHF21A is on the minus strand). VCF-style: chr11-46076816-C-G. GRCh37 (hg19) VCF-style: chr11-46098367-C-G.
Other names: c.91G>C, p.Ala31Pro (NM_001101802.3, NM_001352025.3, NM_001352026.3 and 6 more transcripts); short protein forms A31P.
Identifiers: ClinVar variation 1327368 (VCV001327368.3), dbSNP rs1443676935, ClinGen allele CA380419900.